The following is an entry in ClinVar:

NM_015338.6(ASXL1):c.1513_1514delinsAT (p.Asp505Ile)

Gene: ASXL1 (ASXL transcriptional regulator 1; plus strand). Cytogenetic location: 20q11.21.
Variant type: Indel.
Coding change: c.1513_1514delinsAT on transcript NM_015338.6 (MANE Select); coding-DNA positions 1513 to 1514, GA replaced by AT.
Protein change: p.Asp505Ile; replaces aspartic acid 505 with isoleucine.
Molecular consequence: missense variant.
Genome position (GRCh38, 1-based): chr20:32,433,711-32,433,712, GA replaced by AT. VCF-style: chr20-32433711-GA-AT. GRCh37 (hg19) VCF-style: chr20-31021514-GA-AT.
Other names: c.1330_1331delinsAT, p.Asp444Ile (NM_001363734.1); short protein forms D444I, D505I.
Identifiers: ClinVar variation 1465449 (VCV001465449.6), dbSNP rs2123265524, ClinGen allele CA2573156971.
Genomic context (GRCh38, chr20:32,433,711, plus strand): 5'-TCTGTGGCTTCTCGGATCCAGGCTGAGCCAGACAACTTGGCACGTGCCTCTGCATCTCCA[GA>AT]CAGAATTCCTAGCCTGCCTCAGGAAACTGTGGATCAGGAACCCAAGGATCAGAAGAGGAA-3'
Protein context (NP_056153.2, residues 495-515): DNLARASASP[Asp505Ile]RIPSLPQETV

ClinVar aggregate classification (germline): Uncertain significance (1 of 4 stars; one submission).

Submission:

Labcorp Genetics (formerly Invitae), Labcorp
Classification: Uncertain significance. Last evaluated: 2026-01-05. Review status: criteria provided, single submitter. Criteria: Invitae Variant Classification Sherloc (09022015). Collection method: clinical testing. Allele origin: germline.
Comment: This sequence change replaces aspartic acid, which is acidic and polar, with isoleucine, which is neutral and non-polar, at codon 505 of the ASXL1 protein (p.Asp505Ile). This variant is present in population databases (no rsID available, gnomAD 0.0004%). This missense change has been observed in individual(s) with clinical features of Bohrig Opitz syndrome (internal data). ClinVar contains an entry for this variant (Variation ID: 1465449). An algorithm developed to predict the effect of missense changes on protein structure and function (PolyPhen-2) suggests that this variant is likely to be disruptive. In summary, the available evidence is currently insufficient to determine the role of this variant in disease. Therefore, it has been classified as a Variant of Uncertain Significance.